The following is an entry in ClinVar:

NM_181552.4(CUX1):c.4007A>G (p.Asp1336Gly)

Gene: CUX1 (cut like homeobox 1; plus strand). Cytogenetic location: 7q22.1.
Variant type: single nucleotide variant.
Coding change: c.4007A>G on transcript NM_181552.4 (MANE Select); coding-DNA position 4007, A replaced by G.
Protein change: p.Asp1336Gly; replaces aspartic acid 1336 with glycine.
Molecular consequence: missense variant. On other transcripts: intron variant (5).
Genome position (GRCh38, 1-based): chr7:102,248,531, A>G. VCF-style: chr7-102248531-A-G. GRCh37 (hg19) VCF-style: chr7-101891811-A-G.
Other names: c.4040A>G, p.Asp1347Gly (NM_001202543.2); c.1256-24835A>G (NM_001913.5); c.1250-24835A>G (NM_181500.4); c.1118-24835A>G (NM_001202545.3); c.1208-24835A>G (NM_001202544.3); c.1139-24835A>G (NM_001202546.3); short protein forms D1336G, D1347G.
Identifiers: ClinVar variation 3366177 (VCV003366177.1).

ClinVar aggregate classification (germline): Uncertain significance (1 of 4 stars; one submission).

Submission:

GeneDx
Classification: Uncertain significance. Last evaluated: 2023-11-01. Review status: criteria provided, single submitter. Criteria: GeneDx Variant Classification Process June 2021. Collection method: clinical testing. Allele origin: germline. Affected: yes.
Comment: Not observed at significant frequency in large population cohorts (gnomAD); In silico analysis supports that this missense variant has a deleterious effect on protein structure/function; Has not been previously published as pathogenic or benign to our knowledge